The following is an entry in ClinVar:

ClinVar aggregate classification (germline): Uncertain significance (1 of 4 stars; one submission).

Submission:

Women's Health and Genetics/Laboratory Corporation of America, LabCorp
Classification: Uncertain significance. Last evaluated: 2022-08-01. Review status: criteria provided, single submitter. Criteria: LabCorp Variant Classification Summary - May 2015. Collection method: clinical testing. Allele origin: germline.
Comment: Variant summary: ATP13A2 c.3535_3536delCT (p.Leu1179GlufsX81) causes a frameshift which results in an extension of the protein. The variant was absent in 241804 control chromosomes (gnomAD). To our knowledge, no occurrence of c.3535_3536delCT in individuals affected with Neurodegeneration With Brain Iron Accumulation and no experimental evidence demonstrating its impact on protein function have been reported. No clinical diagnostic laboratories have submitted clinical-significance assessments for this variant to ClinVar after 2014. Based on the evidence outlined above, the variant was classified as uncertain significance.

NM_022089.4(ATP13A2):c.3535_3536del (p.Leu1179fs)

Gene: ATP13A2 (ATPase cation transporting 13A2; minus strand). Cytogenetic location: 1p36.13.
Variant type: Deletion.
Coding change: c.3535_3536del on transcript NM_022089.4 (MANE Select); coding-DNA positions 3535 to 3536, 2 bases deleted (CT; older notation c.3535_3536delCT).
Protein change: p.Leu1179fs; shifts the reading frame from leucine 1179.
Molecular consequence: frameshift variant.
Genome position (GRCh38, 1-based): chr1:16,986,228-16,986,229, AG deleted on the plus strand (CT on the coding strand, the reverse complement: ATP13A2 is on the minus strand). VCF-style (leftmost placement, unchanged base first): chr1-16986227-CAG-C. GRCh37 (hg19) VCF-style: chr1-17312722-CAG-C.
Other names: c.3520_3521del, p.Leu1174fs (NM_001141973.3); c.3233_3234del, p.Pro1078fs (NM_001141974.3); short protein forms L1174fs, L1179fs, P1078fs.
Identifiers: ClinVar variation 1705071 (VCV001705071.1), dbSNP rs2522649586, ClinGen allele CA2580060604.